The following is an entry in ClinVar:

ClinVar aggregate classification (germline): Uncertain significance (1 of 4 stars; one submission).

Conditions:
Hyper-IgM syndrome type 1. Also called: CD40 Ligand Deficiency; X-linked hyper-IgM syndrome; Immunodeficiency, X-linked, with hyper-IgM; Hyper-IgM Immunodeficiency Syndrome, Type 1. Identifiers: Orphanet 101088, MedGen C0398689, MONDO:0010626, OMIM 308230.

Submission:

Labcorp Genetics (formerly Invitae), Labcorp
Classification: Uncertain significance for Hyper-IgM syndrome type 1. Last evaluated: 2022-11-08. Review status: criteria provided, single submitter. Criteria: Invitae Variant Classification Sherloc (09022015). Collection method: clinical testing. Allele origin: germline.
Comment: This variant is not present in population databases (gnomAD no frequency). In summary, the available evidence is currently insufficient to determine the role of this variant in disease. Therefore, it has been classified as a Variant of Uncertain Significance. This variant disrupts the p.Gly167 amino acid residue in CD40LG. Other variant(s) that disrupt this residue have been determined to be pathogenic (PMID: 19575287, 24768948, 25215306, 34335625). This suggests that this residue is clinically significant, and that variants that disrupt this residue are likely to be disease-causing. Advanced modeling of protein sequence and biophysical properties (such as structural, functional, and spatial information, amino acid conservation, physicochemical variation, residue mobility, and thermodynamic stability) performed at Invitae indicates that this missense variant is expected to disrupt CD40LG protein function. This missense change has been observed in individual(s) with hyper IgM syndrome (Invitae). This sequence change replaces glycine, which is neutral and non-polar, with valine, which is neutral and non-polar, at codon 167 of the CD40LG protein (p.Gly167Val).

Literature cited by the submitters: PubMed 19575287; PubMed 24768948; PubMed 25215306; PubMed 34335625.

NM_000074.3(CD40LG):c.500G>T (p.Gly167Val)

Gene: CD40LG (CD40 ligand; plus strand). Cytogenetic location: Xq26.3.
Variant type: single nucleotide variant.
Coding change: c.500G>T on transcript NM_000074.3 (MANE Select); coding-DNA position 500, G replaced by T.
Protein change: p.Gly167Val; replaces glycine 167 with valine.
Molecular consequence: missense variant.
Genome position (GRCh38, 1-based): chrX:136,659,129, G>T. VCF-style: chrX-136659129-G-T. GRCh37 (hg19) VCF-style: chrX-135741288-G-T.
Other names: short protein forms G167V.
Identifiers: ClinVar variation 2737376 (VCV002737376.3), dbSNP rs2522117881, ClinGen allele CA414755752.